The following is an entry in ClinVar:

NM_206933.4(USH2A):c.13015G>T (p.Gly4339Ter)

Gene: USH2A (usherin; minus strand). Cytogenetic location: 1q41.
Variant type: single nucleotide variant.
Coding change: c.13015G>T on transcript NM_206933.4 (MANE Select); coding-DNA position 13015, G replaced by T.
Protein change: p.Gly4339Ter; replaces glycine 4339 with a stop codon.
Molecular consequence: nonsense.
Genome position (GRCh38, 1-based): chr1:215,674,896, C>A on the plus strand (G>T on the coding strand, the complement: USH2A is on the minus strand). VCF-style: chr1-215674896-C-A. GRCh37 (hg19) VCF-style: chr1-215848238-C-A.
Other names: short protein forms G4339*.
Identifiers: ClinVar variation 5012713 (VCV005012713.1).

ClinVar aggregate classification (germline): Pathogenic (1 of 4 stars; one submission).

Conditions:
USH2A-related disorder. Also called: USH2A-related condition; USH2A-related disorders. Identifiers: MedGen CN239332.

Submission:

Myriad Genetics, Inc.
Classification: Pathogenic for USH2A-related disorder. Last evaluated: 2024-02-08. Review status: criteria provided, single submitter. Criteria: Myriad Autosomal Dominant, Autosomal Recessive and X-Linked Classification Criteria (2023). Collection method: clinical testing. Allele origin: unknown.
Comment: NM_206933.2(USH2A):c.13015G>T(G4339*) is expected to be pathogenic in the context of USH2A-related disorders. This variant is predicted to lead to an abnormal or absent protein product due to the creation of a premature termination codon in USH2A, a gene where loss-of-function variants are known to be pathogenic. Please note: this variant was assessed in the context of healthy population screening.